The following is an entry in ClinVar:

NM_153766.3(KCNJ1):c.535G>A (p.Ala179Thr)

Gene: KCNJ1 (potassium inwardly rectifying channel subfamily J member 1; minus strand). Cytogenetic location: 11q24.3.
Variant type: single nucleotide variant.
Coding change: c.535G>A on transcript NM_153766.3 (MANE Select); coding-DNA position 535, G replaced by A.
Protein change: p.Ala179Thr; replaces alanine 179 with threonine.
Molecular consequence: missense variant.
Genome position (GRCh38, 1-based): chr11:128,839,709, C>T on the plus strand (G>A on the coding strand, the complement: KCNJ1 is on the minus strand). VCF-style: chr11-128839709-C-T. GRCh37 (hg19) VCF-style: chr11-128709604-C-T.
Other names: c.592G>A, p.Ala198Thr (NM_000220.6); c.535G>A, p.Ala179Thr (NM_153764.3, NM_153767.4); c.586G>A, p.Ala196Thr (NM_153765.3); short protein forms A198T, A179T, A196T.
Identifiers: ClinVar variation 9159 (VCV000009159.8), dbSNP rs104894253, ClinGen allele CA120158.

ClinVar aggregate classification (germline): Likely pathogenic. Review status: criteria provided, multiple submitters, no conflicts (2 of 4 stars). 4 submissions from 4 submitters: Likely pathogenic (3). 1 of the submissions does not count toward it. Last evaluated 2024-03-15.

Conditions:
Bartter syndrome. Identifiers: Orphanet 112, MedGen C0004775, MONDO:0015231.
Bartter disease type 2. Also called: HYPOKALEMIC ALKALOSIS WITH HYPERCALCIURIA 2, ANTENATAL; Bartter syndrome, type 2, antenatal; HYPERPROSTAGLANDIN E SYNDROME 2. Identifiers: Orphanet 112, Orphanet 620220, MedGen C1855849, MONDO:0009424, OMIM 241200.

Submissions (4):

Women's Health and Genetics/Laboratory Corporation of America, LabCorp
Classification: Likely pathogenic for Bartter syndrome. Last evaluated: 2024-03-15. Review status: criteria provided, single submitter. Criteria: LabCorp Variant Classification Summary - May 2015. Collection method: clinical testing. Allele origin: germline.
Comment: Variant summary: KCNJ1 c.592G>A (p.Ala198Thr) results in a non-conservative amino acid change located in the Potassium channel, inwardly rectifying, transmembrane domain (IPR040445) of the encoded protein sequence. Five of five in-silico tools predict a damaging effect of the variant on protein function. The frequency data for this variant in gnomAD is considered unreliable, as metrics indicate poor data quality at this position. c.592G>A has been reported in the literature in at-least two individuals affected with Bartter Syndrome (example, Karolyi_1997). These data indicate that the variant may be associated with disease. At least one publication reports experimental evidence evaluating an impact on protein function. The most pronounced variant effect results in about 20% of normal KCNJ1 levels in yeast (ODonnell_2017). The following publications have been ascertained in the context of this evaluation (PMID: 28630040, 9002665). ClinVar contains an entry for this variant (Variation ID: 9159). Based on the evidence outlined above, the variant was classified as likely pathogenic.

Fulgent Genetics
Classification: Likely pathogenic for Bartter disease type 2. Last evaluated: 2024-03-14. Review status: criteria provided, single submitter. Criteria: ACMG Guidelines, 2015. Collection method: clinical testing. Allele origin: germline.

Labcorp Genetics (formerly Invitae), Labcorp
Classification: Likely pathogenic. Last evaluated: 2024-02-23. Review status: criteria provided, single submitter. Criteria: Invitae Variant Classification Sherloc (09022015). Collection method: clinical testing. Allele origin: germline.
Comment: This sequence change replaces alanine, which is neutral and non-polar, with threonine, which is neutral and polar, at codon 198 of the KCNJ1 protein (p.Ala198Thr). This variant is not present in population databases (gnomAD no frequency). This missense change has been observed in individuals with Bartter syndrome (PMID: 9002665). It has also been observed to segregate with disease in related individuals. This variant is also known as G→A at 1153. ClinVar contains an entry for this variant (Variation ID: 9159). An algorithm developed to predict the effect of missense changes on protein structure and function (PolyPhen-2) suggests that this variant is likely to be disruptive. Experimental studies have shown that this missense change affects KCNJ1 function (PMID: 9015377, 12911542, 19221509, 28630040). This variant disrupts the p.Ala198 amino acid residue in KCNJ1. Other variant(s) that disrupt this residue have been observed in individuals with KCNJ1-related conditions (PMID: 20219833), which suggests that this may be a clinically significant amino acid residue. In summary, the currently available evidence indicates that the variant is pathogenic, but additional data are needed to prove that conclusively. Therefore, this variant has been classified as Likely Pathogenic.

OMIM
Classification: Pathogenic for BARTTER SYNDROME, TYPE 2, ANTENATAL. Last evaluated: 1997-01-01. Review status: no assertion criteria provided. Collection method: literature only. Allele origin: germline. Not counted in ClinVar's aggregate classification.

Literature cited by the submitters: PubMed 9002665 (cited by 3 submitters); PubMed 28630040 (cited by Women's Health and Genetics/Laboratory Corporation of America, LabCorp and Labcorp Genetics (formerly Invitae), Labcorp); PubMed 9015377 (cited by Labcorp Genetics (formerly Invitae), Labcorp); PubMed 12911542 (cited by Labcorp Genetics (formerly Invitae), Labcorp); PubMed 19221509 (cited by Labcorp Genetics (formerly Invitae), Labcorp); PubMed 20219833 (cited by Labcorp Genetics (formerly Invitae), Labcorp).